The following is an entry in ClinVar:

ClinVar aggregate classification (germline): Benign (1 of 4 stars; one submission).

Allele frequency attached by ClinVar (database versions not stated): 1000 Genomes Project 0.14097; 1000 Genomes Project 30x 0.14101; TOPMed 0.16242; gnomAD 0.16452 and 0.16726.
gnomAD v4.1: 25,627 of 152,138 alleles (17%); highest among the groups gnomAD compares: Middle Eastern, 26%; 2,656 homozygotes.

Submission:

GeneDx
Classification: Benign. Last evaluated: 2018-06-14. Review status: criteria provided, single submitter. Criteria: GeneDx Variant Classification (06012015). Collection method: clinical testing. Allele origin: germline. Affected: yes.
Comment: This variant is considered likely benign or benign based on one or more of the following criteria: it is a conservative change, it occurs at a poorly conserved position in the protein, it is predicted to be benign by multiple in silico algorithms, and/or has population frequency not consistent with disease.

NM_203447.4(DOCK8):c.2606-219T>C

Gene: DOCK8 (dedicator of cytokinesis 8; plus strand). Cytogenetic location: 9p24.3.
Variant type: single nucleotide variant.
Coding change: c.2606-219T>C on transcript NM_203447.4 (MANE Select); 219 bases into the intron before coding-DNA position 2606, T replaced by C.
Molecular consequence: intron variant.
Genome position (GRCh38, 1-based): chr9:382,294, T>C. VCF-style: chr9-382294-T-C. GRCh37 (hg19) VCF-style: chr9-382294-T-C.
Other names: c.2402-219T>C (NM_001193536.2, NM_001190458.2).
Identifiers: ClinVar variation 676846 (VCV000676846.1), dbSNP rs10973262, ClinGen allele CA13041934.